The following is an entry in ClinVar:

NM_001330078.2(NRXN1):c.3192C>A (p.Asp1064Glu)

Gene: NRXN1 (neurexin 1; minus strand). Cytogenetic location: 2p16.3.
Variant type: single nucleotide variant.
Coding change: c.3192C>A on transcript NM_001330078.2 (MANE Select); coding-DNA position 3192, C replaced by A.
Protein change: p.Asp1064Glu; replaces aspartic acid 1064 with glutamic acid.
Molecular consequence: missense variant.
Genome position (GRCh38, 1-based): chr2:50,472,350, G>T on the plus strand (C>A on the coding strand, the complement: NRXN1 is on the minus strand). VCF-style: chr2-50472350-G-T. GRCh37 (hg19) VCF-style: chr2-50699488-G-T.
Other names: c.3312C>A, p.Asp1104Glu (NM_001135659.3); c.3168C>A, p.Asp1056Glu (NM_001330077.2, NM_001330082.2); c.3126C>A, p.Asp1042Glu (NM_001330083.2, NM_001330084.2); c.3165C>A, p.Asp1055Glu (NM_001330085.2); c.3192C>A, p.Asp1064Glu (NM_001330086.2, NM_004801.6); c.3081C>A, p.Asp1027Glu (NM_001330087.2, NM_001330096.2); c.3111C>A, p.Asp1037Glu (NM_001330088.2); c.3189C>A, p.Asp1063Glu (NM_001330093.2); and 2 more; short protein forms D1037E, D1060E, D1063E, D1027E, D1056E, D1042E, D1055E, D1104E.
Identifiers: ClinVar variation 2114742 (VCV002114742.4), dbSNP rs199580594, ClinGen allele CA346772126.

ClinVar aggregate classification (germline): Uncertain significance (1 of 4 stars; one submission).

Conditions:
Pitt-Hopkins-like syndrome 2 (PTHSL2). Identifiers: Orphanet 221150, Orphanet 600663, MedGen C3280479, MONDO:0013690, OMIM 614325.

gnomAD v4.1: 1 of 1,611,884 alleles (0.000062%); highest among the groups gnomAD compares: Non-Finnish European, 0.000085%; no homozygotes.

Submission:

Labcorp Genetics (formerly Invitae), Labcorp
Classification: Uncertain significance for Pitt-Hopkins-like syndrome 2. Last evaluated: 2022-03-19. Review status: criteria provided, single submitter. Criteria: Invitae Variant Classification Sherloc (09022015). Collection method: clinical testing. Allele origin: germline.
Comment: This variant has not been reported in the literature in individuals affected with NRXN1-related conditions. In summary, the available evidence is currently insufficient to determine the role of this variant in disease. Therefore, it has been classified as a Variant of Uncertain Significance. Algorithms developed to predict the effect of missense changes on protein structure and function are either unavailable or do not agree on the potential impact of this missense change (SIFT: "Deleterious"; PolyPhen-2: "Possibly Damaging"; Align-GVGD: "Class C0"). This variant is not present in population databases (gnomAD no frequency). This sequence change replaces aspartic acid, which is acidic and polar, with glutamic acid, which is acidic and polar, at codon 1104 of the NRXN1 protein (p.Asp1104Glu).